The following is an entry in ClinVar:

ClinVar aggregate classification (germline): Likely benign (1 of 4 stars; one submission).

Conditions:
Juvenile polyposis/hereditary hemorrhagic telangiectasia syndrome (JPHT). Also called: JP/HHT SYNDROME; JUVENILE POLYPOSIS WITH HEREDITARY HEMORRHAGIC TELANGIECTASIA; POLYPOSIS, GENERALIZED JUVENILE, WITH PULMONARY ARTERIOVENOUS MALFORMATION; TELANGIECTASIA, HEREDITARY HEMORRHAGIC, WITH JUVENILE POLYPOSIS COLI; Juvenile Polyposis Syndrome / Hereditary Hemorrhagic Telangiectasia (JPS/HHT). Identifiers: Orphanet 2929, MedGen C1832942, MONDO:0008278, OMIM 175050.

Submission:

Myriad Genetics, Inc.
Classification: Likely benign for Juvenile polyposis/hereditary hemorrhagic telangiectasia syndrome. Last evaluated: 2025-03-19. Review status: criteria provided, single submitter. Criteria: Myriad Autosomal Dominant, Autosomal Recessive and X-Linked Classification Criteria (2023). Collection method: clinical testing. Allele origin: unknown.
Comment: This variant is considered likely benign. This variant is intronic and is not expected to impact mRNA splicing.

NM_005359.6(SMAD4):c.455-17_455-16insG

Gene: SMAD4 (SMAD family member 4; plus strand). Cytogenetic location: 18q21.2.
Variant type: Insertion.
Coding change: c.455-17_455-16insG on transcript NM_005359.6 (MANE Select); 17 bases into the intron before coding-DNA position 455 through 16 bases into the intron before coding-DNA position 455, G inserted.
Molecular consequence: intron variant.
Genome position: GRCh38 VCF-style: chr18-51054764-T-TG. GRCh37 (hg19) VCF-style: chr18-48581134-T-TG.
Other names: c.455-17_455-16insG (NM_001407042.1, NM_001407041.1, NM_001407043.1).
Identifiers: ClinVar variation 3904132 (VCV003904132.1).